The following is an entry in ClinVar:

NM_005883.3(APC2):c.1005A>T (p.Pro335=)

Gene: APC2 (APC regulator of Wnt signaling pathway 2; plus strand). Cytogenetic location: 19p13.3.
Variant type: single nucleotide variant.
Coding change: c.1005A>T on transcript NM_005883.3 (MANE Select); coding-DNA position 1005, A replaced by T.
Protein change: p.Pro335=; no amino-acid change (proline 335 retained).
Molecular consequence: synonymous variant.
Genome position (GRCh38, 1-based): chr19:1,457,041, A>T. VCF-style: chr19-1457041-A-T. GRCh37 (hg19) VCF-style: chr19-1457040-A-T.
Other names: c.1002A>T, p.Pro334= (NM_001351273.1).
Identifiers: ClinVar variation 3034654 (VCV003034654.2), dbSNP rs2083841910, ClinGen allele CA504895604.
Genomic context (GRCh38, chr19:1,457,041, plus strand): 5'-TCTGCTGCTGCAAATCCTCCACGGCACCGAGGCCGCGGCCGGGGGTCGCGCCGGGGCCCC[A>T]GGGGCACCGGGCGCCAAGGACGCACGCATGCGCGCCAACGCGGCGCTGCACAACATCGTC-3'
Protein context (NP_005874.1, residues 325-345): EAAAGGRAGA[Pro335=]GAPGAKDARM

ClinVar aggregate classification (germline): Likely benign (0 of 4 stars; one submission).

Conditions:
APC2-related disorder. Also called: APC2-related condition; APC2-Related Disorders.

Submission:

PreventionGenetics, part of Exact Sciences
Classification: Likely benign for APC2-related condition. Last evaluated: 2019-08-09. Review status: no assertion criteria provided. Collection method: clinical testing. Allele origin: germline.
Comment: This variant is classified as likely benign based on ACMG/AMP sequence variant interpretation guidelines (Richards et al. 2015 PMID: 25741868, with internal and published modifications).